The following is an entry in ClinVar:

ClinVar aggregate classification (germline): Pathogenic/Likely pathogenic. Review status: criteria provided, multiple submitters, no conflicts (2 of 4 stars). 2 submissions from 2 submitters: Pathogenic (1); Likely pathogenic (1). Last evaluated 2024-02-14.

Conditions:
TBX15-related disorder. Also called: TBX15-related condition.

Submissions (2):

Blueprint Genetics
Classification: Likely pathogenic for TBX15-related disorders. Last evaluated: 2024-02-14. Review status: criteria provided, single submitter. Criteria: ACMG Guidelines, 2015. Collection method: clinical testing. Allele origin: germline. Affected: yes. Observed: 2 variant alleles.

Labcorp Genetics (formerly Invitae), Labcorp
Classification: Pathogenic. Last evaluated: 2017-10-18. Review status: criteria provided, single submitter. Criteria: Invitae Variant Classification Sherloc (09022015). Collection method: clinical testing. Allele origin: germline.
Comment: This sequence change creates a premature translational stop signal (p.Arg189*) in the TBX15 gene. It is expected to result in an absent or disrupted protein product. This variant is not present in population databases (ExAC no frequency). This variant has not been reported in the literature in individuals with TBX15-related disease. Loss-of-function variants in TBX15 are known to be pathogenic (PMID: 19068278, 24039145). For these reasons, this variant has been classified as Pathogenic.

Literature cited by the submitters: PubMed 19068278 (cited by Labcorp Genetics (formerly Invitae), Labcorp); PubMed 24039145 (cited by Labcorp Genetics (formerly Invitae), Labcorp).

NM_001330677.2(TBX15):c.883C>T (p.Arg295Ter)

Gene: TBX15 (T-box transcription factor 15; minus strand). Cytogenetic location: 1p12.
Variant type: single nucleotide variant.
Coding change: c.883C>T on transcript NM_001330677.2 (MANE Select); coding-DNA position 883, C replaced by T.
Protein change: p.Arg295Ter; replaces arginine 295 with a stop codon.
Molecular consequence: nonsense.
Genome position (GRCh38, 1-based): chr1:118,914,158, G>A on the plus strand (C>T on the coding strand, the complement: TBX15 is on the minus strand). VCF-style: chr1-118914158-G-A. GRCh37 (hg19) VCF-style: chr1-119456781-G-A.
Other names: c.565C>T, p.Arg189Ter (NM_152380.3); short protein forms R189*, R295*.
Identifiers: ClinVar variation 1073859 (VCV001073859.2), dbSNP rs1655113495, ClinGen allele CA341433975.